The following is an entry in ClinVar:

NM_002485.5(NBN):c.321-224T>C

Gene: NBN (nibrin; minus strand). Cytogenetic location: 8q21.3.
Variant type: single nucleotide variant.
Coding change: c.321-224T>C on transcript NM_002485.5 (MANE Select); 224 bases into the intron before coding-DNA position 321, T replaced by C.
Molecular consequence: intron variant.
Genome position (GRCh38, 1-based): chr8:89,981,117, A>G on the plus strand (T>C on the coding strand, the complement: NBN is on the minus strand). VCF-style: chr8-89981117-A-G. GRCh37 (hg19) VCF-style: chr8-90993345-A-G.
Other names: c.75-224T>C (NM_001024688.3).
Identifiers: ClinVar variation 679718 (VCV000679718.1), dbSNP rs73696850, ClinGen allele CA181280483.

ClinVar aggregate classification (germline): Benign (1 of 4 stars; one submission).

Allele frequency attached by ClinVar (database versions not stated): 1000 Genomes Project 0.02236; TOPMed 0.02623; gnomAD 0.02097; 1000 Genomes Project 30x 0.02467.
gnomAD v4.1: 3,427 of 152,258 alleles (2.3%); highest among the groups gnomAD compares: African/African-American, 7.7%; 126 homozygotes.

Submission:

GeneDx
Classification: Benign. Last evaluated: 2018-06-18. Review status: criteria provided, single submitter. Criteria: GeneDx Variant Classification (06012015). Collection method: clinical testing. Allele origin: germline. Affected: yes.
Comment: This variant is considered likely benign or benign based on one or more of the following criteria: it is a conservative change, it occurs at a poorly conserved position in the protein, it is predicted to be benign by multiple in silico algorithms, and/or has population frequency not consistent with disease.